The following is an entry in ClinVar:

NM_002769.5(PRSS1):c.610G>A (p.Val204Met)

Genes: PRSS1 (serine protease 1; plus strand), TRB (T cell receptor beta locus; plus strand). Cytogenetic location: 7q34.
Variant type: single nucleotide variant.
Coding change: c.610G>A on transcript NM_002769.5 (MANE Select); coding-DNA position 610, G replaced by A.
Protein change: p.Val204Met; replaces valine 204 with methionine.
Molecular consequence: missense variant.
Genome position (GRCh38, 1-based): chr7:142,752,886, G>A. VCF-style: chr7-142752886-G-A. GRCh37 (hg19) VCF-style: chr7-142460737-G-A.
Other names: short protein forms V204M.
Identifiers: ClinVar variation 581919 (VCV000581919.15), dbSNP rs1563263032, ClinGen allele CA369610601.

ClinVar aggregate classification (germline): Uncertain significance. Review status: criteria provided, multiple submitters, no conflicts (2 of 4 stars). 2 submissions from 2 submitters: Uncertain significance (2). Last evaluated 2025-11-13.

Conditions:
Hereditary pancreatitis (PCTT). Also called: Hereditary chronic pancreatitis; PRSS1-Related Hereditary Pancreatitis. Identifiers: Orphanet 676, MedGen C0238339, MONDO:0008185, OMIM 167800.

Allele frequency attached by ClinVar (database versions not stated): gnomAD exomes below 0.00001; TOPMed 0.00001.
gnomAD v4.1: 12 of 1,614,172 alleles (0.00074%); highest among the groups gnomAD compares: East Asian, 0.0045%; no homozygotes.

Submissions (2):

Ambry Genetics
Classification: Uncertain significance for Hereditary pancreatitis. Last evaluated: 2025-11-13. Review status: criteria provided, single submitter. Criteria: Ambry Variant Classification Scheme 2023. Collection method: clinical testing. Allele origin: germline.

Labcorp Genetics (formerly Invitae), Labcorp
Classification: Uncertain significance for Hereditary pancreatitis. Last evaluated: 2025-07-03. Review status: criteria provided, single submitter. Criteria: Invitae Variant Classification Sherloc (09022015). Collection method: clinical testing. Allele origin: germline.
Comment: This sequence change replaces valine, which is neutral and non-polar, with methionine, which is neutral and non-polar, at codon 204 of the PRSS1 protein (p.Val204Met). This variant is not present in population databases (gnomAD no frequency). This variant has not been reported in the literature in individuals affected with PRSS1-related conditions. ClinVar contains an entry for this variant (Variation ID: 581919). Invitae Evidence Modeling of protein sequence and biophysical properties (such as structural, functional, and spatial information, amino acid conservation, physicochemical variation, residue mobility, and thermodynamic stability) indicates that this missense variant is not expected to disrupt PRSS1 protein function with a negative predictive value of 80%. In summary, the available evidence is currently insufficient to determine the role of this variant in disease. Therefore, it has been classified as a Variant of Uncertain Significance.